The following is an entry in ClinVar:

ClinVar aggregate classification (germline): Uncertain significance (1 of 4 stars; one submission).

Conditions:
Neutropenia, severe congenital, 1, autosomal dominant. Identifiers: MedGen C1859966, MONDO:0042490, OMIM 202700.
Cyclical neutropenia. Also called: Cyclic hematopoiesis; Cyclic Neutropenia. Identifiers: Orphanet 2686, MedGen C0221023, MONDO:0008090, OMIM 162800, HP:0040289. Disease mechanism: loss of function.

Submission:

Labcorp Genetics (formerly Invitae), Labcorp
Classification: Uncertain significance for Neutropenia, severe congenital, 1, autosomal dominant; Cyclical neutropenia. Last evaluated: 2024-08-12. Review status: criteria provided, single submitter. Criteria: Invitae Variant Classification Sherloc (09022015). Collection method: clinical testing. Allele origin: germline.
Comment: This sequence change replaces asparagine, which is neutral and polar, with lysine, which is basic and polar, at codon 132 of the ELANE protein (p.Asn132Lys). The frequency data for this variant in the population databases is considered unreliable, as metrics indicate poor data quality at this position in the gnomAD database. This variant has not been reported in the literature in individuals affected with ELANE-related conditions. Advanced modeling of protein sequence and biophysical properties (such as structural, functional, and spatial information, amino acid conservation, physicochemical variation, residue mobility, and thermodynamic stability) has been performed at Invitae for this missense variant, however the output from this modeling did not meet the statistical confidence thresholds required to predict the impact of this variant on ELANE protein function. In summary, the available evidence is currently insufficient to determine the role of this variant in disease. Therefore, it has been classified as a Variant of Uncertain Significance.

NM_001972.4(ELANE):c.396C>A (p.Asn132Lys)

Gene: ELANE (elastase, neutrophil expressed; plus strand). Cytogenetic location: 19p13.3.
Variant type: single nucleotide variant.
Coding change: c.396C>A on transcript NM_001972.4 (MANE Select); coding-DNA position 396, C replaced by A.
Protein change: p.Asn132Lys; replaces asparagine 132 with lysine.
Molecular consequence: missense variant.
Genome position (GRCh38, 1-based): chr19:855,593, C>A. VCF-style: chr19-855593-C-A. GRCh37 (hg19) VCF-style: chr19-855593-C-A.
Other names: short protein forms N132K.
Identifiers: ClinVar variation 2947517 (VCV002947517.3), dbSNP rs144441259, ClinGen allele CA303944724.